The following is an entry in ClinVar:

ClinVar aggregate classification (germline): Benign (1 of 4 stars; one submission).

Allele frequency attached by ClinVar (database versions not stated): gnomAD 0.14925 and 0.15696; TOPMed 0.15274; 1000 Genomes Project 30x 0.20987; 1000 Genomes Project 0.21406; gnomAD exomes 0.15909.
gnomAD v4.1: 160,808 of 1,014,748 alleles (16%); highest among the groups gnomAD compares: South Asian, 32%; 14,326 homozygotes.

Submission:

GeneDx
Classification: Benign. Last evaluated: 2018-06-14. Review status: criteria provided, single submitter. Criteria: GeneDx Variant Classification (06012015). Collection method: clinical testing. Allele origin: germline. Affected: yes.
Comment: This variant is considered likely benign or benign based on one or more of the following criteria: it is a conservative change, it occurs at a poorly conserved position in the protein, it is predicted to be benign by multiple in silico algorithms, and/or has population frequency not consistent with disease.

NM_172107.4(KCNQ2):c.1887+150T>C

Gene: KCNQ2 (potassium voltage-gated channel subfamily Q member 2; minus strand). Cytogenetic location: 20q13.33.
Variant type: single nucleotide variant.
Coding change: c.1887+150T>C on transcript NM_172107.4 (MANE Select); 150 bases into the intron after coding-DNA position 1887, T replaced by C.
Molecular consequence: intron variant.
Genome position (GRCh38, 1-based): chr20:63,408,263, A>G on the plus strand (T>C on the coding strand, the complement: KCNQ2 is on the minus strand). VCF-style: chr20-63408263-A-G. GRCh37 (hg19) VCF-style: chr20-62039616-A-G.
Other names: c.1803+150T>C (NM_004518.6); c.1794+150T>C (NM_172108.5); c.1833+150T>C (NM_172106.3).
Identifiers: ClinVar variation 682063 (VCV000682063.1), dbSNP rs34821017, ClinGen allele CA14765848.